The following is an entry in ClinVar:

NM_006329.4(FBLN5):c.*423T>C

Gene: FBLN5 (fibulin 5; minus strand). Cytogenetic location: 14q32.12.
Variant type: single nucleotide variant.
Coding change: c.*423T>C on transcript NM_006329.4 (MANE Select); 423 bases downstream of the stop codon, T replaced by C.
Molecular consequence: 3 prime UTR variant.
Genome position (GRCh38, 1-based): chr14:91,869,801, A>G on the plus strand (T>C on the coding strand, the complement: FBLN5 is on the minus strand). VCF-style: chr14-91869801-A-G. GRCh37 (hg19) VCF-style: chr14-92336145-A-G.
Other names: c.*423T>C (NM_001384158.1, NM_001384159.1, NM_001384162.1); c.*554T>C (NM_001384160.1, NM_001384161.1).
Identifiers: ClinVar variation 314866 (VCV000314866.5), dbSNP rs17731705, ClinGen allele CA10645269.

ClinVar aggregate classification (germline): Benign/Likely benign. Review status: criteria provided, single submitter (1 of 4 stars). 2 submissions from 1 submitter: Benign (1); Likely benign (1). Last evaluated 2018-01-12.

Conditions:
Cutis laxa. Identifiers: Orphanet 209, MedGen C0010495, MONDO:0016175, HP:0000973.
Macular degeneration, age-related, 3 (ARMD3). Identifiers: Orphanet 280598, MedGen C1837187, MONDO:0012145, OMIM 608895.

Allele frequency attached by ClinVar (database versions not stated): 1000 Genomes Project 30x 0.00484; 1000 Genomes Project 0.00499; gnomAD 0.00524 and 0.00543; TOPMed 0.00529; gnomAD exomes 0.00555.
gnomAD v4.1: 1,310 of 245,426 alleles (0.53%); highest among the groups gnomAD compares: Non-Finnish European, 0.85%; 5 homozygotes.

Submissions (2):

Illumina Laboratory Services, Illumina
Classification: Benign for Cutis laxa. Last evaluated: 2018-01-12. Review status: criteria provided, single submitter. Criteria: ICSL Variant Classification Criteria 13 December 2019. Collection method: clinical testing. Allele origin: germline.
Comment: This variant was observed in the ICSL laboratory as part of a predisposition screen in an ostensibly healthy population. It had not been previously curated by ICSL or reported in the Human Gene Mutation Database (HGMD: prior to June 1st, 2018), and was therefore a candidate for classification through an automated scoring system. Utilizing variant allele frequency, disease prevalence and penetrance estimates, and inheritance mode, an automated score was calculated to assess if this variant is too frequent to cause the disease. Based on the score and internal cut-off values, a variant classified as benign is not then subjected to further curation. The score for this variant resulted in a classification of benign for this disease.

Illumina Laboratory Services, Illumina
Classification: Likely benign for Macular degeneration, age-related, 3. Last evaluated: 2018-01-12. Review status: criteria provided, single submitter. Criteria: ICSL Variant Classification Criteria 13 December 2019. Collection method: clinical testing. Allele origin: germline.
Comment: This variant was observed in the ICSL laboratory as part of a predisposition screen in an ostensibly healthy population. It had not been previously curated by ICSL or reported in the Human Gene Mutation Database (HGMD: prior to June 1st, 2018), and was therefore a candidate for classification through an automated scoring system. Utilizing variant allele frequency, disease prevalence and penetrance estimates, and inheritance mode, an automated score was calculated to assess if this variant is too frequent to cause the disease. Based on the score and internal cut-off values, a variant classified as likely benign is not then subjected to further curation. The score for this variant resulted in a classification of likely benign for this disease.